The following is an entry in ClinVar:

NM_002691.4(POLD1):c.349C>A (p.Pro117Thr)

Gene: POLD1 (DNA polymerase delta 1, catalytic subunit; plus strand). Cytogenetic location: 19q13.33.
Variant type: single nucleotide variant.
Coding change: c.349C>A on transcript NM_002691.4 (MANE Select); coding-DNA position 349, C replaced by A.
Protein change: p.Pro117Thr; replaces proline 117 with threonine.
Molecular consequence: missense variant. On other transcripts: non-coding transcript variant (1).
Genome position (GRCh38, 1-based): chr19:50,401,810, C>A. VCF-style: chr19-50401810-C-A. GRCh37 (hg19) VCF-style: chr19-50905067-C-A.
Other names: c.349C>A, p.Pro117Thr (NM_001256849.1, NM_001308632.1); short protein forms P117T.
Identifiers: ClinVar variation 3422004 (VCV003422004.1).
Genomic context (GRCh38, chr19:50,401,810, plus strand): 5'-GCCGCTGTCTTACCCTGTGACCCCACAGGCCCAGCGCAGCCTGTGCCTGGGGGGCCCCCA[C>A]CATCCCGCGGCTCCGTGCCTGTGCTCCGCGCCTTCGGGGTCACCGATGAGGGGTTCTCTG-3'
Protein context (NP_002682.2, residues 107-127): PAQPVPGGPP[Pro117Thr]SRGSVPVLRA

ClinVar aggregate classification (germline): Uncertain significance (1 of 4 stars; one submission).

Conditions:
Hereditary cancer-predisposing syndrome. Also called: Neoplastic Syndromes, Hereditary; Tumor predisposition; Hereditary Cancer Syndrome; Hereditary neoplastic syndrome. Identifiers: Orphanet 140162, MedGen C0027672, MeSH D009386, MONDO:0015356.

gnomAD v4.1: 2 of 1,613,412 alleles (0.00012%); highest among the groups gnomAD compares: Non-Finnish European, 0.00017%; no homozygotes.

Submission:

Ambry Genetics
Classification: Uncertain significance for Hereditary cancer-predisposing syndrome. Last evaluated: 2024-11-09. Review status: criteria provided, single submitter. Criteria: Ambry Variant Classification Scheme 2023. Collection method: clinical testing. Allele origin: germline.
Comment: The p.P117T variant (also known as c.349C>A), located in coding exon 3 of the POLD1 gene, results from a C to A substitution at nucleotide position 349. The proline at codon 117 is replaced by threonine, an amino acid with highly similar properties. This amino acid position is conserved. In addition, this alteration is predicted to be tolerated by in silico analysis. Based on the available evidence, the clinical significance of this variant remains unclear.